The following is an entry in ClinVar:

ClinVar aggregate classification (germline): Likely pathogenic (1 of 4 stars; one submission).

Submission:

GeneDx
Classification: Likely pathogenic. Last evaluated: 2017-03-07. Review status: criteria provided, single submitter. Criteria: GeneDx Variant Classification (06012015). Collection method: clinical testing. Allele origin: germline. Affected: yes.
Comment: The c.535_538delTTGA variant in the NHEJ1 gene causes a frameshift starting with codon Leucine 179, changes this amino acid to an Arginine residue and creates a premature Stop codon at position 15 of the new reading frame, denoted p.Leu179ArgfsX15. This variant is predicted to cause loss of normal protein function either through protein truncation or nonsense-mediated mRNA decay. The variant is not observed in large population cohorts (Lek et al., 2016; 1000 Genomes Consortium et al., 2015; Exome Variant Server). Although this variant has not been previously reported to our knowledge, we consider it to be likely pathogenic.

NM_024782.3(NHEJ1):c.535_538del (p.Leu179fs)

Gene: NHEJ1 (non-homologous end joining factor 1; minus strand). Cytogenetic location: 2q35.
Variant type: Deletion.
Coding change: c.535_538del on transcript NM_024782.3 (MANE Select); coding-DNA positions 535 to 538, 4 bases deleted (TTGA; older notation c.535_538delTTGA).
Protein change: p.Leu179fs; shifts the reading frame from leucine 179.
Molecular consequence: frameshift variant. On other transcripts: non-coding transcript variant (1).
Genome position (GRCh38, 1-based): chr2:219,146,730-219,146,733, TCAA deleted on the plus strand (TTGA on the coding strand, the reverse complement: NHEJ1 is on the minus strand); deleting any 4 consecutive bases within chr2:219,146,730-219,146,735 gives the same sequence; the c. name uses the placement nearest the transcript's 3' end. VCF-style (leftmost placement, unchanged base first): chr2-219146729-TTCAA-T. GRCh37 (hg19) VCF-style: chr2-220011451-TTCAA-T.
Other names: c.535_538del, p.Leu179fs (NM_001377498.1, NM_001377499.1); c.535_538delTTGA (NM_024782.2); short protein forms L179fs.
Identifiers: ClinVar variation 424201 (VCV000424201.2), dbSNP rs1064796857, ClinGen allele CA16617471.